The following is an entry in ClinVar:

NM_014795.4(ZEB2):c.2391del (p.His797fs)

Gene: ZEB2 (zinc finger E-box binding homeobox 2; minus strand). Cytogenetic location: 2q22.3.
Variant type: Deletion.
Coding change: c.2391del on transcript NM_014795.4 (MANE Select); coding-DNA position 2391, one base deleted (C; older notation c.2391delC).
Protein change: p.His797fs; shifts the reading frame from histidine 797.
Molecular consequence: frameshift variant.
Genome position (GRCh38, 1-based): chr2:144,398,796, G deleted on the plus strand (C on the coding strand, the reverse complement: ZEB2 is on the minus strand). VCF-style (leftmost placement, unchanged base first): chr2-144398795-TG-T. GRCh37 (hg19) VCF-style: chr2-145156362-TG-T.
Other names: c.2319del, p.His773fs (NM_001171653.2); short protein forms H773fs, H797fs.
Identifiers: ClinVar variation 4852007 (VCV004852007.1).

ClinVar aggregate classification (germline): Pathogenic (1 of 4 stars; one submission).

Submission:

Dasa
Classification: Pathogenic. Last evaluated: 2024-10-21. Review status: criteria provided, single submitter. Criteria: DASA Assertion Criteria. Collection method: clinical testing. Allele origin: germline.
Comment: NM_014795.4(ZEB2):c.2391del (p.His797Glnfs*20) introduces a premature termination codon predicted to result in loss of normal protein function. Loss-of-function is an established mechanism of disease for this gene. The variant is present at low frequency in population datasets. Based on the available data, this variant is classified as pathogenic.